The following is an entry in ClinVar:

ClinVar aggregate classification (germline): Conflicting classifications of pathogenicity. Review status: criteria provided, conflicting classifications (1 of 4 stars). 2 submissions from 2 submitters: Uncertain significance (1); Benign (1). Last evaluated 2026-01-05.

Conditions:
RAI1-related disorder. Also called: RAI1-related condition.

gnomAD v4.1: 4 of 1,600,308 alleles (0.00025%); highest among the groups gnomAD compares: African/African-American, 0.0013%; no homozygotes.

Submissions (2):

Labcorp Genetics (formerly Invitae), Labcorp
Classification: Benign. Last evaluated: 2026-01-05. Review status: criteria provided, single submitter. Criteria: Invitae Variant Classification Sherloc (09022015). Collection method: clinical testing. Allele origin: germline.

PreventionGenetics, part of Exact Sciences
Classification: Uncertain significance for RAI1-related condition. Last evaluated: 2025-01-18. Review status: criteria provided, single submitter. Criteria: ACMG Guidelines, 2015. Collection method: clinical testing. Allele origin: germline.
Comment: The RAI1 c.2392C>A variant is predicted to result in the amino acid substitution p.Pro798Thr. To our knowledge, this variant has not been reported in the literature. This variant is reported in 0.0018% of alleles in individuals of European (Non-Finnish) descent in gnomAD. At this time, the clinical significance of this variant is uncertain due to the absence of conclusive functional and genetic evidence.

NM_030665.4(RAI1):c.2392C>A (p.Pro798Thr)

Gene: RAI1 (retinoic acid induced 1; plus strand). Cytogenetic location: 17p11.2.
Variant type: single nucleotide variant.
Coding change: c.2392C>A on transcript NM_030665.4 (MANE Select); coding-DNA position 2392, C replaced by A.
Protein change: p.Pro798Thr; replaces proline 798 with threonine.
Molecular consequence: missense variant.
Genome position (GRCh38, 1-based): chr17:17,795,340, C>A. VCF-style: chr17-17795340-C-A. GRCh37 (hg19) VCF-style: chr17-17698654-C-A.
Other names: c.2392C>A (NM_030665.3); short protein forms P798T.
Identifiers: ClinVar variation 1387341 (VCV001387341.7), dbSNP rs148947371, ClinGen allele CA8418525.